The following is an entry in ClinVar:

ClinVar aggregate classification (germline): Benign/Likely benign. Review status: criteria provided, multiple submitters, no conflicts (2 of 4 stars). 4 submissions from 4 submitters: Benign (1); Likely benign (2). 1 of the submissions does not count toward it. Last evaluated 2026-01-14.

Conditions:
AGRN-related disorder. Also called: AGRN-related condition.
Congenital myasthenic syndrome 8. Also called: Myasthenic syndrome, congenital, 8, with pre- and postsynaptic defects; MYASTHENIC SYNDROME, CONGENITAL, DUE TO AGRIN DEFICIENCY. Identifiers: Orphanet 590, MedGen C3808739, MONDO:0014052, OMIM 615120.

Allele frequency attached by ClinVar (database versions not stated): ExAC 0.00153; ESP Exome Variant Server 0.00261; gnomAD 0.00307 and 0.00327; TOPMed 0.00360; 1000 Genomes Project 0.00479; 1000 Genomes Project 30x 0.00625.
gnomAD v4.1: 891 of 1,555,724 alleles (0.057%); highest among the groups gnomAD compares: African/African-American, 1.1%; 6 homozygotes.

Submissions (4):

Labcorp Genetics (formerly Invitae), Labcorp
Classification: Benign for Congenital myasthenic syndrome 8. Last evaluated: 2026-01-14. Review status: criteria provided, single submitter. Criteria: Invitae Variant Classification Sherloc (09022015). Collection method: clinical testing. Allele origin: germline.

Blueprint Genetics
Classification: Likely benign. Last evaluated: 2024-10-16. Review status: criteria provided, single submitter. Criteria: ACMG Guidelines, 2015. Collection method: clinical testing. Allele origin: germline.

Athena Diagnostics
Classification: Likely benign. Last evaluated: 2017-07-25. Review status: criteria provided, single submitter. Criteria: Athena Diagnostics Criteria. Collection method: clinical testing. Allele origin: germline.

PreventionGenetics, part of Exact Sciences
Classification: Benign for AGRN-related condition. Last evaluated: 2023-01-11. Review status: no assertion criteria provided. Collection method: clinical testing. Allele origin: germline. Not counted in ClinVar's aggregate classification.
Comment: This variant is classified as benign based on ACMG/AMP sequence variant interpretation guidelines (Richards et al. 2015 PMID: 25741868, with internal and published modifications).

NM_198576.4(AGRN):c.4285C>T (p.Arg1429Cys)

Gene: AGRN (agrin; plus strand). Cytogenetic location: 1p36.33.
Variant type: single nucleotide variant.
Coding change: c.4285C>T on transcript NM_198576.4 (MANE Select); coding-DNA position 4285, C replaced by T.
Protein change: p.Arg1429Cys; replaces arginine 1429 with cysteine.
Molecular consequence: missense variant.
Genome position (GRCh38, 1-based): chr1:1,049,046, C>T. VCF-style: chr1-1049046-C-T. GRCh37 (hg19) VCF-style: chr1-984426-C-T.
Other names: c.4285C>T (LRG_198t1); c.4285C>T, p.Arg1429Cys (NM_001305275.2); c.3970C>T, p.Arg1324Cys (NM_001364727.2); short protein forms R1429C, R1324C.
Identifiers: ClinVar variation 263183 (VCV000263183.17), dbSNP rs201346452, ClinGen allele CA509373.